The following is an entry in ClinVar:

ClinVar aggregate classification (germline): Uncertain significance (1 of 4 stars; one submission).

Allele frequency attached by ClinVar (database versions not stated): TOPMed below 0.00001.

Submission:

Labcorp Genetics (formerly Invitae), Labcorp
Classification: Uncertain significance. Last evaluated: 2022-04-12. Review status: criteria provided, single submitter. Criteria: Invitae Variant Classification Sherloc (09022015). Collection method: clinical testing. Allele origin: germline.
Comment: This variant has not been reported in the literature in individuals affected with CYFIP2-related conditions. Algorithms developed to predict the effect of missense changes on protein structure and function are either unavailable or do not agree on the potential impact of this missense change (SIFT: "Deleterious"; PolyPhen-2: "Not Available"; Align-GVGD: "Class C65"). In summary, the available evidence is currently insufficient to determine the role of this variant in disease. Therefore, it has been classified as a Variant of Uncertain Significance. This variant is not present in population databases (gnomAD no frequency). This sequence change replaces proline, which is neutral and non-polar, with leucine, which is neutral and non-polar, at codon 1140 of the CYFIP2 protein (p.Pro1140Leu).

NM_001037333.3(CYFIP2):c.3419C>T (p.Pro1140Leu)

Genes: CYFIP2 (cytoplasmic FMR1 interacting protein 2; plus strand), NIPAL4-DT (NIPAL4 divergent transcript; minus strand). Cytogenetic location: 5q33.3.
Variant type: single nucleotide variant.
Coding change: c.3419C>T on transcript NM_001037333.3 (MANE Select); coding-DNA position 3419, C replaced by T.
Protein change: p.Pro1140Leu; replaces proline 1140 with leucine.
Molecular consequence: missense variant.
Genome position (GRCh38, 1-based): chr5:157,389,400, C>T. VCF-style: chr5-157389400-C-T. GRCh37 (hg19) VCF-style: chr5-156816408-C-T.
Other names: c.3341C>T, p.Pro1114Leu (NM_001291721.2); c.3494C>T, p.Pro1165Leu (NM_001291722.2); c.3419C>T, p.Pro1140Leu (NM_014376.4); short protein forms P1140L, P1114L, P1165L.
Identifiers: ClinVar variation 2125615 (VCV002125615.4), dbSNP rs1767031534, ClinGen allele CA361982350.